The following is an entry in ClinVar:

ClinVar aggregate classification (germline): Pathogenic/Likely pathogenic. Review status: criteria provided, multiple submitters, no conflicts (2 of 4 stars). 8 submissions from 8 submitters: Pathogenic (6); Likely pathogenic (1). 1 of the submissions does not count toward it. Last evaluated 2026-01-21.

Conditions:
SLC2A1-related disorder. Also called: SLC2A1-related disorders; SLC2A1-related condition.
Childhood onset GLUT1 deficiency syndrome 2. Also called: Paroxysmal exercise-induced dystonia; Exertion-induced paroxysmal dyskinesia; PxMD-SLC2A1; GLUT1 deficiency syndrome 2; PAROXYSMAL EXERCISE-INDUCED DYSKINESIA WITH OR WITHOUT EPILEPSY AND/OR HEMOLYTIC ANEMIA; PAROXYSMAL EXERTION-INDUCED DYSTONIA WITH OR WITHOUT EPILEPSY AND/OR HEMOLYTIC ANEMIA. Identifiers: Orphanet 98811, MedGen C1842534, MONDO:0012805, OMIM 612126.
GLUT1 deficiency syndrome 1, autosomal recessive. Identifiers: MedGen C3149117.
Encephalopathy due to GLUT1 deficiency. Also called: Classic Glucose Transporter Type 1 Deficiency Syndrome; GLUCOSE TRANSPORT DEFECT, BLOOD-BRAIN BARRIER; GLUT1 deficiency syndrome 1, infantile onset, severe; GLUT1 deficiency syndrome 1; De Vivo disease; Glucose transporter protein syndrome. Identifiers: Orphanet 71277, MedGen C4551966, MONDO:0011724, OMIM 606777.

Allele frequency attached by ClinVar (database versions not stated): TOPMed below 0.00001.

Submissions (8):

Variantyx, Inc.
Classification: Pathogenic for Childhood onset GLUT1 deficiency syndrome 2. Last evaluated: 2026-01-21. Review status: criteria provided, single submitter. Criteria: Variantyx Assertion Criteria 2022. Collection method: clinical testing. Allele origin: germline. Inheritance: Autosomal dominant inheritance. Affected: yes.
Comment: This is a nonsynonymous variant in the SLC2A1 gene (OMIM: 138140). Pathogenic variants in this gene have been associated with autosomal dominant childhood onset GLUT1 deficiency syndrome 2. This variant has been observed to segregate with disease in at least 10 individuals from 2 families (PMID: 18451999, 28407523) (PP1). Functional studies have shown that this variant alters SLC2A1 protein function (PMID: 18451999) (PS3) and multiple computational algorithms predict a deleterious effect for this variant (REVEL score: 0.815) (PP3). This variant is absent from control populations (PM2). Based on the current evidence, this variant is classified as pathogenic for autosomal dominant childhood onset GLUT1 deficiency syndrome 2.

Medical and Scientific Branch, Hong Kong Genome Institute
Classification: Likely pathogenic for Childhood onset GLUT1 deficiency syndrome 2. Last evaluated: 2025-10-11. Review status: criteria provided, single submitter. Criteria: ACMG Guidelines, 2015. Collection method: clinical testing. Allele origin: germline. Affected: yes.

GeneDx
Classification: Pathogenic. Last evaluated: 2024-08-13. Review status: criteria provided, single submitter. Criteria: GeneDx Variant Classification Process June 2021. Collection method: clinical testing. Allele origin: germline. Affected: yes.
Comment: Published functional studies demonstrate decreased glucose transport (PMID: 18451999); Not observed at significant frequency in large population cohorts (gnomAD); In silico analysis supports that this missense variant has a deleterious effect on protein structure/function; This variant is associated with the following publications: (PMID: 25564316, 26193382, 26768679, 24847886, 26598494, 25758715, 29655203, 18451999, 24892788, 35388452, 37563452, 28407523)

Blueprint Genetics
Classification: Pathogenic for SLC2A1-related disorders. Last evaluated: 2024-07-19. Review status: criteria provided, single submitter. Criteria: ACMG Guidelines, 2015. Collection method: clinical testing. Allele origin: germline. Affected: yes. Observed: 2 variant alleles.

Labcorp Genetics (formerly Invitae), Labcorp
Classification: Pathogenic for GLUT1 deficiency syndrome 1, autosomal recessive. Last evaluated: 2024-06-12. Review status: criteria provided, single submitter. Criteria: Invitae Variant Classification Sherloc (09022015). Collection method: clinical testing. Allele origin: germline.
Comment: This sequence change replaces alanine, which is neutral and non-polar, with threonine, which is neutral and polar, at codon 275 of the SLC2A1 protein (p.Ala275Thr). This variant is not present in population databases (gnomAD no frequency). This missense change has been observed in individual(s) with SLC2A1-related conditions (PMID: 18451999, 24892788). In at least one individual the variant was observed to be de novo. It has also been observed to segregate with disease in related individuals. This variant is also known as c.G1002A. ClinVar contains an entry for this variant (Variation ID: 16114). Advanced modeling of protein sequence and biophysical properties (such as structural, functional, and spatial information, amino acid conservation, physicochemical variation, residue mobility, and thermodynamic stability) performed at Invitae indicates that this missense variant is expected to disrupt SLC2A1 protein function with a positive predictive value of 95%. Experimental studies have shown that this missense change affects SLC2A1 function (PMID: 18451999). For these reasons, this variant has been classified as Pathogenic.

Genome-Nilou Lab
Classification: Pathogenic for Encephalopathy due to GLUT1 deficiency. Last evaluated: 2023-04-11. Review status: criteria provided, single submitter. Criteria: ACMG Guidelines, 2015. Collection method: clinical testing. Allele origin: germline. Affected: no.

Genetic Services Laboratory, University of Chicago
Classification: Pathogenic for GLUT1 deficiency syndrome 1. Last evaluated: 2013-12-16. Review status: criteria provided, single submitter. Criteria: ACMG Guidelines, 2007. Collection method: clinical testing. Allele origin: germline. Inheritance: Autosomal dominant inheritance. Affected: yes.

OMIM
Classification: Pathogenic for GLUT1 DEFICIENCY SYNDROME 2. Last evaluated: 2008-06-01. Review status: no assertion criteria provided. Collection method: literature only. Allele origin: germline. Not counted in ClinVar's aggregate classification.

Literature cited by the submitters: PubMed 18451999 (cited by 3 submitters); PubMed 28407523 (cited by Variantyx, Inc.); PubMed 24892788 (cited by Variantyx, Inc. and Labcorp Genetics (formerly Invitae), Labcorp); PubMed 25758715 (cited by Variantyx, Inc.).

NM_006516.4(SLC2A1):c.823G>A (p.Ala275Thr)

Gene: SLC2A1 (solute carrier family 2 member 1; minus strand). Cytogenetic location: 1p34.2.
Variant type: single nucleotide variant.
Coding change: c.823G>A on transcript NM_006516.4 (MANE Select); coding-DNA position 823, G replaced by A.
Protein change: p.Ala275Thr; replaces alanine 275 with threonine.
Molecular consequence: missense variant.
Genome position (GRCh38, 1-based): chr1:42,929,637, C>T on the plus strand (G>A on the coding strand, the complement: SLC2A1 is on the minus strand). VCF-style: chr1-42929637-C-T. GRCh37 (hg19) VCF-style: chr1-43395308-C-T.
Other names: p.A275T:GCT>ACT; short protein forms A275T.
Identifiers: ClinVar variation 16114 (VCV000016114.22), dbSNP rs121909740, ClinGen allele CA019335.